The following is an entry in ClinVar:

NM_004385.5(VCAN):c.7754C>G (p.Pro2585Arg)

Genes: VCAN (versican; plus strand), VCAN-AS1 (VCAN antisense RNA 1; minus strand). Cytogenetic location: 5q14.3.
Variant type: single nucleotide variant.
Coding change: c.7754C>G on transcript NM_004385.5 (MANE Select); coding-DNA position 7754, C replaced by G.
Protein change: p.Pro2585Arg; replaces proline 2585 with arginine.
Molecular consequence: missense variant. On other transcripts: intron variant (2).
Genome position (GRCh38, 1-based): chr5:83,540,757, C>G. VCF-style: chr5-83540757-C-G. GRCh37 (hg19) VCF-style: chr5-82836576-C-G.
Other names: c.4793C>G, p.Pro1598Arg (NM_001164097.2); c.4004-4780C>G (NM_001164098.2); c.1043-4780C>G (NM_001126336.3); short protein forms P1598R, P2585R.
Identifiers: ClinVar variation 4770538 (VCV004770538.1).

ClinVar aggregate classification (germline): Uncertain significance (1 of 4 stars; one submission).

Submission:

Labcorp Genetics (formerly Invitae), Labcorp
Classification: Uncertain significance. Last evaluated: 2025-07-29. Review status: criteria provided, single submitter. Criteria: Invitae Variant Classification Sherloc (09022015). Collection method: clinical testing. Allele origin: germline.
Comment: This sequence change replaces proline, which is neutral and non-polar, with arginine, which is basic and polar, at codon 2585 of the VCAN protein (p.Pro2585Arg). This variant is not present in population databases (gnomAD no frequency). This variant has not been reported in the literature in individuals affected with VCAN-related conditions. An algorithm developed to predict the effect of missense changes on protein structure and function (PolyPhen-2) suggests that this variant is likely to be disruptive. In summary, the available evidence is currently insufficient to determine the role of this variant in disease. Therefore, it has been classified as a Variant of Uncertain Significance.